The following is an entry in ClinVar:

NM_001267550.2(TTN):c.87730C>T (p.Pro29244Ser)

Genes: TTN-AS1 (TTN antisense RNA 1; plus strand), TTN (titin; minus strand). Cytogenetic location: 2q31.2.
Variant type: single nucleotide variant.
Coding change: c.87730C>T on transcript NM_001267550.2 (MANE Select); coding-DNA position 87730, C replaced by T.
Protein change: p.Pro29244Ser; replaces proline 29244 with serine.
Molecular consequence: missense variant.
Genome position (GRCh38, 1-based): chr2:178,557,532, G>A on the plus strand (C>T on the coding strand, the complement: TTN is on the minus strand). VCF-style: chr2-178557532-G-A. GRCh37 (hg19) VCF-style: chr2-179422259-G-A.
Other names: p.P27603S:CCA>TCA; c.82807C>T, p.Pro27603Ser (NM_001256850.1); c.60535C>T, p.Pro20179Ser (NM_003319.4); c.80026C>T, p.Pro26676Ser (NM_133378.4); c.60910C>T, p.Pro20304Ser (NM_133432.3); c.61111C>T, p.Pro20371Ser (NM_133437.4); short protein forms P27603S, P29244S, P20304S, P20371S, P20179S, P26676S.
Identifiers: ClinVar variation 202944 (VCV000202944.8), dbSNP rs779810701, ClinGen allele CA310764.
Genomic context (GRCh38, chr2:178,557,532, plus strand): 5'-TTGACACTGGTTCATGCCAGCCCACAGTGATGCTTTCTCGAGTAACATTAGTGACCCATG[G>A]TGTAGATGGTGGTCCAGGTGTTGCTACAAAAGAGAGAAATCCTATAGATTAGTACAGACA-3'
Protein context (NP_001254479.2, residues 29234-29254): PYTTPGPPST[Pro29244Ser]WVTNVTRESI

ClinVar aggregate classification (germline): Uncertain significance. Review status: criteria provided, multiple submitters, no conflicts (2 of 4 stars). 4 submissions from 4 submitters: Uncertain significance (4). Last evaluated 2026-05-14.

Conditions:
TTN-related disorder. Also called: TTN-related condition; TTN-related disease; TTN-related disorders.
Cardiovascular phenotype. Identifiers: MedGen CN230736.

Allele frequency attached by ClinVar (database versions not stated): gnomAD exomes below 0.00001; TOPMed 0.00001.
gnomAD v4.1: 7 of 1,613,786 alleles (0.00043%); highest among the groups gnomAD compares: Non-Finnish European, 0.00051%; no homozygotes.

Submissions (4):

PreventionGenetics, part of Exact Sciences
Classification: Uncertain significance for TTN-related condition. Last evaluated: 2026-05-14. Review status: criteria provided, single submitter. Criteria: ACMG Guidelines, 2015. Collection method: clinical testing. Allele origin: germline.
Comment: The TTN c.87730C>T variant is predicted to result in the amino acid substitution p.Pro29244Ser. This variant has been reported as a variant of uncertain significance in an individual with dilated cardiomyopathy secondary to myocarditis (Kamsheh et al. 2026. PubMed ID: 41347311). This variant is reported in 0.0027% of alleles in individuals of European (Non-Finnish) descent in gnomAD. At this time, the clinical significance of this variant is uncertain due to the absence of conclusive functional and genetic evidence.

Revvity Omics, Revvity
Classification: Uncertain significance. Last evaluated: 2024-05-07. Review status: criteria provided, single submitter. Criteria: ACMG Guidelines, 2015. Collection method: clinical testing. Allele origin: germline.

Ambry Genetics
Classification: Uncertain significance for Cardiovascular phenotype. Last evaluated: 2018-08-23. Review status: criteria provided, single submitter. Criteria: Ambry Variant Classification Scheme 2023. Collection method: clinical testing. Allele origin: germline.
Comment: The p.P20179S variant (also known as c.60535C>T), located in coding exon 156 of the TTN gene, results from a C to T substitution at nucleotide position 60535. The proline at codon 20179 is replaced by serine, an amino acid with similar properties. This amino acid position is highly conserved in available vertebrate species. In addition, this alteration is predicted to be tolerated by in silico analysis. Since supporting evidence is limited at this time, the clinical significance of this alteration remains unclear.

GeneDx
Classification: Uncertain significance. Last evaluated: 2013-08-12. Review status: criteria provided, single submitter. Criteria: GeneDx Variant Classification (06012015). Collection method: clinical testing. Allele origin: germline. Affected: yes.
Comment: Missense variants in the TTN gene are considered 'unclassified' if they are not previously reported in the literature and do not have >1% frequency in the population to be considered a polymorphism. Research indicates that truncating mutations in the TTN gene are expected to account for approximately 25% of familial and 18% of sporadic idiopathic DCM; however, truncating variants in the TTN gene have been reported in approximately 3% of reported control alleles. There has been little investigation into non-truncating variants. (Herman D et al. Truncations of titin causing dilated cardiomyopathy. N Eng J Med 366:619-628, 2012) The variant is found in DCM panel(s).